The following is an entry in ClinVar:

ClinVar aggregate classification (germline): Likely benign. Review status: criteria provided, multiple submitters, no conflicts (2 of 4 stars). 2 submissions from 2 submitters: Likely benign (2). Last evaluated 2024-07-22.

Conditions:
Intellectual developmental disorder, autosomal dominant 6, with or without seizures. Also called: GRIN2B-related developmental delay, intellectual disability and autism spectrum disorder; Intellectual disability, autosomal dominant 6. Identifiers: Orphanet 589547, MedGen C3151411, MONDO:0013509, OMIM 613970.
Developmental and epileptic encephalopathy, 27 (DEE27). Also called: GRIN2B-Related Neurodevelopmental Disorder; Epileptic encephalopathy, early infantile, 27. Identifiers: Orphanet 3451, MedGen C4015316, MONDO:0014505, OMIM 616139.

Allele frequency attached by ClinVar (database versions not stated): gnomAD exomes 0.00001.
gnomAD v4.1: 3 of 1,614,036 alleles (0.00019%); highest among the groups gnomAD compares: Non-Finnish European, 0.00025%; no homozygotes.

Submissions (2):

Labcorp Genetics (formerly Invitae), Labcorp
Classification: Likely benign for Developmental and epileptic encephalopathy, 27; Intellectual developmental disorder, autosomal dominant 6, with or without seizures. Last evaluated: 2024-07-22. Review status: criteria provided, single submitter. Criteria: Invitae Variant Classification Sherloc (09022015). Collection method: clinical testing. Allele origin: germline.

CeGaT Center for Human Genetics Tuebingen
Classification: Likely benign. Last evaluated: 2022-10-01. Review status: criteria provided, single submitter. Criteria: CeGaT Center For Human Genetics Tuebingen Variant Classification Criteria Version 2. Collection method: clinical testing. Allele origin: germline. Affected: yes. Observed: 1 variant allele.
Comment: GRIN2B: PM2:Supporting, BP4, BP7

NM_000834.5(GRIN2B):c.2457A>G (p.Ala819=)

Gene: GRIN2B (glutamate ionotropic receptor NMDA type subunit 2B; minus strand). Cytogenetic location: 12p13.1.
Variant type: single nucleotide variant.
Coding change: c.2457A>G on transcript NM_000834.5 (MANE Select); coding-DNA position 2457, A replaced by G.
Protein change: p.Ala819=; no amino-acid change (alanine 819 retained).
Molecular consequence: synonymous variant.
Genome position (GRCh38, 1-based): chr12:13,567,166, T>C on the plus strand (A>G on the coding strand, the complement: GRIN2B is on the minus strand). VCF-style: chr12-13567166-T-C. GRCh37 (hg19) VCF-style: chr12-13720100-T-C.
Other names: c.2457A>G, p.Ala819= (NM_001413992.1).
Identifiers: ClinVar variation 2642748 (VCV002642748.26), dbSNP rs1037059639, ClinGen allele CA233135631.